The following is an entry in ClinVar:

ClinVar aggregate classification (germline): Uncertain significance. Review status: criteria provided, multiple submitters, no conflicts (2 of 4 stars). 2 submissions from 2 submitters: Uncertain significance (2). Last evaluated 2025-04-05.

Conditions:
Acute myeloid leukemia (AML). Also called: Acute myeloid leukemia, adult; AML adult; Acute non-lymphocytic leukemia; Acute granulocytic leukemia; Leukemia, acute myelogenous, somatic; Leukemia, acute myeloid, somatic. Identifiers: Orphanet 519, MedGen C0023467, MeSH D015470, MONDO:0018874, OMIM 601626, HP:0004808. Disease mechanism: Constitutively activated FLT3.
Inborn genetic diseases. Identifiers: MedGen C0950123, MeSH D030342.

Allele frequency attached by ClinVar (database versions not stated): gnomAD 0.00001; gnomAD exomes below 0.00001.

Submissions (2):

Ambry Genetics
Classification: Uncertain significance for Inborn genetic diseases. Last evaluated: 2025-04-05. Review status: criteria provided, single submitter. Criteria: Ambry Variant Classification Scheme 2023. Collection method: clinical testing. Allele origin: germline.
Comment: The p.Q162K variant (also known as c.484C>A), located in coding exon 1 of the CEBPA gene, results from a C to A substitution at nucleotide position 484. The glutamine at codon 162 is replaced by lysine, an amino acid with similar properties. This amino acid position is conserved. In addition, this alteration is predicted to be tolerated by in silico analysis. Based on the available evidence, the clinical significance of this variant remains unclear.

Labcorp Genetics (formerly Invitae), Labcorp
Classification: Uncertain significance for Acute myeloid leukemia. Last evaluated: 2023-06-27. Review status: criteria provided, single submitter. Criteria: Invitae Variant Classification Sherloc (09022015). Collection method: clinical testing. Allele origin: germline.
Comment: In summary, the available evidence is currently insufficient to determine the role of this variant in disease. Therefore, it has been classified as a Variant of Uncertain Significance. Advanced modeling of protein sequence and biophysical properties (such as structural, functional, and spatial information, amino acid conservation, physicochemical variation, residue mobility, and thermodynamic stability) performed at Invitae indicates that this missense variant is not expected to disrupt CEBPA protein function. ClinVar contains an entry for this variant (Variation ID: 1021980). This variant has not been reported in the literature in individuals affected with CEBPA-related conditions. This variant is not present in population databases (gnomAD no frequency). This sequence change replaces glutamine, which is neutral and polar, with lysine, which is basic and polar, at codon 162 of the CEBPA protein (p.Gln162Lys).

NM_004364.5(CEBPA):c.484C>A (p.Gln162Lys)

Gene: CEBPA (CCAAT enhancer binding protein alpha; minus strand). Cytogenetic location: 19q13.11.
Variant type: single nucleotide variant.
Coding change: c.484C>A on transcript NM_004364.5 (MANE Select); coding-DNA position 484, C replaced by A.
Protein change: p.Gln162Lys; replaces glutamine 162 with lysine.
Molecular consequence: missense variant.
Genome position (GRCh38, 1-based): chr19:33,301,931, G>T on the plus strand (C>A on the coding strand, the complement: CEBPA is on the minus strand). VCF-style: chr19-33301931-G-T. GRCh37 (hg19) VCF-style: chr19-33792837-G-T.
Other names: c.127C>A, p.Gln43Lys (NM_001285829.2); c.589C>A, p.Gln197Lys (NM_001287424.2); c.442C>A, p.Gln148Lys (NM_001287435.2); c.484C>A (NM_004364.3); short protein forms Q148K, Q162K, Q197K, Q43K.
Identifiers: ClinVar variation 1021980 (VCV001021980.10), dbSNP rs1967182561, ClinGen allele CA405274860.
Genomic context (GRCh38, chr19:33,301,931, plus strand): 5'-GGTAAGGGAAGAGGCCGGCCAGCGCCAGCTGCTTGGCTTCATCCTCCTCGCGGGGCTCCT[G>T]CTTGATCACCAGCGGCCGCAGCGCCGGCGCCCCGACGCGCTCGTACAGGGGCTCCAGCCT-3'
Protein context (NP_004355.2, residues 152-172): APALRPLVIK[Gln162Lys]EPREEDEAKQ